The following is an entry in ClinVar:

ClinVar aggregate classification (germline): Uncertain significance (1 of 4 stars; one submission).

Conditions:
Neuropathy, hereditary sensory, type 2C. Also called: KIF1A-Related HSAN2 (HSAN2C); Hereditary sensory and autonomic neuropathy type IIC. Identifiers: Orphanet 970, MedGen C3280168, MONDO:0013634, OMIM 614213.
Hereditary spastic paraplegia 30. Identifiers: Orphanet 101010, MedGen C5235139, MONDO:0012476.
Intellectual disability, autosomal dominant 9 (NESCAVS). Also called: KIF1A-Related Neurodevelopmental Disorder; NESCAV SYNDROME. Identifiers: Orphanet 662367, MedGen C5393830, MONDO:0013656, OMIM 614255.

Submission:

Labcorp Genetics (formerly Invitae), Labcorp
Classification: Uncertain significance for Hereditary spastic paraplegia 30; Neuropathy, hereditary sensory, type 2C; Intellectual disability, autosomal dominant 9. Last evaluated: 2024-05-23. Review status: criteria provided, single submitter. Criteria: Invitae Variant Classification Sherloc (09022015). Collection method: clinical testing. Allele origin: germline.
Comment: This sequence change replaces glutamine, which is neutral and polar, with leucine, which is neutral and non-polar, at codon 29 of the KIF1A protein (p.Gln29Leu). This variant is not present in population databases (gnomAD no frequency). This variant has not been reported in the literature in individuals affected with KIF1A-related conditions. Advanced modeling of protein sequence and biophysical properties (such as structural, functional, and spatial information, amino acid conservation, physicochemical variation, residue mobility, and thermodynamic stability) performed at Invitae indicates that this missense variant is expected to disrupt KIF1A protein function with a positive predictive value of 95%. In summary, the available evidence is currently insufficient to determine the role of this variant in disease. Therefore, it has been classified as a Variant of Uncertain Significance.

NM_001244008.2(KIF1A):c.86A>T (p.Gln29Leu)

Gene: KIF1A (kinesin family member 1A; minus strand). Cytogenetic location: 2q37.3.
Variant type: single nucleotide variant.
Coding change: c.86A>T on transcript NM_001244008.2 (MANE Select); coding-DNA position 86, A replaced by T.
Protein change: p.Gln29Leu; replaces glutamine 29 with leucine.
Molecular consequence: missense variant.
Genome position (GRCh38, 1-based): chr2:240,797,667, T>A on the plus strand (A>T on the coding strand, the complement: KIF1A is on the minus strand). VCF-style: chr2-240797667-T-A. GRCh37 (hg19) VCF-style: chr2-241737084-T-A.
Other names: c.86A>T, p.Gln29Leu (NM_001320705.2, NM_001330289.2, NM_001330290.2 and 20 more transcripts); short protein forms Q29L.
Identifiers: ClinVar variation 3753270 (VCV003753270.2).